The following is an entry in ClinVar:

ClinVar aggregate classification (germline): Uncertain significance. Review status: criteria provided, multiple submitters, no conflicts (2 of 4 stars). 2 submissions from 2 submitters: Uncertain significance (2). Last evaluated 2025-08-28.

Conditions:
Inborn genetic diseases. Identifiers: MedGen C0950123, MeSH D030342.

Allele frequency attached by ClinVar (database versions not stated): TOPMed 0.00001; gnomAD exomes below 0.00001; gnomAD 0.00001.
gnomAD v4.1: 3 of 1,614,030 alleles (0.00019%); highest among the groups gnomAD compares: Non-Finnish European, 0.00017%; no homozygotes.

Submissions (2):

Ambry Genetics
Classification: Uncertain significance for Inborn genetic diseases. Last evaluated: 2025-08-28. Review status: criteria provided, single submitter. Criteria: Ambry Variant Classification Scheme 2023. Collection method: clinical testing. Allele origin: germline.

Labcorp Genetics (formerly Invitae), Labcorp
Classification: Uncertain significance. Last evaluated: 2022-10-13. Review status: criteria provided, single submitter. Criteria: Invitae Variant Classification Sherloc (09022015). Collection method: clinical testing. Allele origin: germline.
Comment: In summary, the available evidence is currently insufficient to determine the role of this variant in disease. Therefore, it has been classified as a Variant of Uncertain Significance. Algorithms developed to predict the effect of missense changes on protein structure and function output the following: SIFT: "Deleterious"; PolyPhen-2: "Benign"; Align-GVGD: "Class C25". The valine amino acid residue is found in multiple mammalian species, which suggests that this missense change does not adversely affect protein function. ClinVar contains an entry for this variant (Variation ID: 864629). This variant has not been reported in the literature in individuals affected with MERTK-related conditions. This variant is present in population databases (no rsID available, gnomAD 0.007%). This sequence change replaces isoleucine, which is neutral and non-polar, with valine, which is neutral and non-polar, at codon 505 of the MERTK protein (p.Ile505Val).

NM_006343.3(MERTK):c.1513A>G (p.Ile505Val)

Gene: MERTK (MER proto-oncogene, tyrosine kinase; plus strand). Cytogenetic location: 2q13.
Variant type: single nucleotide variant.
Coding change: c.1513A>G on transcript NM_006343.3 (MANE Select); coding-DNA position 1513, A replaced by G.
Protein change: p.Ile505Val; replaces isoleucine 505 with valine.
Molecular consequence: missense variant.
Genome position (GRCh38, 1-based): chr2:111,997,385, A>G. VCF-style: chr2-111997385-A-G. GRCh37 (hg19) VCF-style: chr2-112754962-A-G.
Other names: short protein forms I505V.
Identifiers: ClinVar variation 864629 (VCV000864629.12), dbSNP rs1180321124, ClinGen allele CA348231299.
Genomic context (GRCh38, chr2:111,997,385, plus strand): 5'-TGGGTAGATTATGCCCCCTCTTCAACTCCGGCGCCTGGCAACGCAGATCCTGTGCTCATC[A>G]TCTTTGGCTGCTTTTGTGGATTTATTTTGATTGGGTTGATTTTATACATCTCCTTGGCCA-3'
Protein context (NP_006334.2, residues 495-515): APGNADPVLI[Ile505Val]FGCFCGFILI